The following is an entry in ClinVar:

ClinVar aggregate classification (germline): Likely pathogenic (1 of 4 stars; one submission).

Allele frequency attached by ClinVar (database versions not stated): TOPMed below 0.00001.

Submission:

Labcorp Genetics (formerly Invitae), Labcorp
Classification: Likely pathogenic. Last evaluated: 2024-04-15. Review status: criteria provided, single submitter. Criteria: Invitae Variant Classification Sherloc (09022015). Collection method: clinical testing. Allele origin: germline.
Comment: This sequence change affects a donor splice site in intron 10 of the MYO3A gene. It is expected to disrupt RNA splicing. Variants that disrupt the donor or acceptor splice site typically lead to a loss of protein function (PMID: 16199547), and loss-of-function variants in MYO3A are known to be pathogenic (PMID: 12032315, 23990876). This variant is not present in population databases (gnomAD no frequency). This variant has not been reported in the literature in individuals affected with MYO3A-related conditions. Algorithms developed to predict the effect of sequence changes on RNA splicing suggest that this variant may disrupt the consensus splice site. In summary, the currently available evidence indicates that the variant is pathogenic, but additional data are needed to prove that conclusively. Therefore, this variant has been classified as Likely Pathogenic.

Literature cited by the submitters: PubMed 16199547; PubMed 12032315; PubMed 23990876.

NM_017433.5(MYO3A):c.953+2T>C

Gene: MYO3A (myosin IIIA; plus strand). Cytogenetic location: 10p12.1.
Variant type: single nucleotide variant.
Coding change: c.953+2T>C on transcript NM_017433.5 (MANE Select); the canonical splice donor site of the intron after coding-DNA position 953, T replaced by C.
Molecular consequence: splice donor variant.
Genome position (GRCh38, 1-based): chr10:26,026,534, T>C. VCF-style: chr10-26026534-T-C. GRCh37 (hg19) VCF-style: chr10-26315463-T-C.
Identifiers: ClinVar variation 3008142 (VCV003008142.3), dbSNP rs1842554749, ClinGen allele CA376333496.
Genomic context (GRCh38, chr10:26,026,534, plus strand): 5'-AAACAACTAACGGAATTCATTGGCATCCATCAATGCATGGGAGGCACAGAAAAGGCCAGG[T>C]AATCAAATAATATCTTGATTCCAAAATCCAGAGATTATTGAAAGATTTTGAACAGTTTAA-3'